The following is an entry in ClinVar:

NM_000179.3(MSH6):c.1210A>C (p.Asn404His)

Gene: MSH6 (mutS homolog 6; plus strand). Cytogenetic location: 2p16.3.
Variant type: single nucleotide variant.
Coding change: c.1210A>C on transcript NM_000179.3 (MANE Select); coding-DNA position 1210, A replaced by C.
Protein change: p.Asn404His; replaces asparagine 404 with histidine.
Molecular consequence: missense variant. On other transcripts: non-coding transcript variant (4), intron variant (1).
Genome position (GRCh38, 1-based): chr2:47,799,193, A>C. VCF-style: chr2-47799193-A-C. GRCh37 (hg19) VCF-style: chr2-48026332-A-C.
Other names: c.820A>C, p.Asn274His (NM_001281492.2); c.304A>C, p.Asn102His (NM_001281493.2, NM_001281494.2, NM_001406823.1 and 6 more transcripts); c.1306A>C, p.Asn436His (NM_001406795.1, NM_001406802.1); c.1210A>C, p.Asn404His (NM_001406796.1, NM_001406798.1, NM_001406800.1 and 4 more transcripts); c.913A>C, p.Asn305His (NM_001406797.1, NM_001406819.1, NM_001406820.1 and 10 more transcripts); c.1042A>C, p.Asn348His (NM_001406826.1); c.628-1473A>C (NM_001407362.1); c.685A>C, p.Asn229His (NM_001406799.1, NM_001406806.1, NM_001406807.1); and 2 more; short protein forms N274H, N348H, N305H, N378H, N404H, N229H, N406H, N436H.
Identifiers: ClinVar variation 2838082 (VCV002838082.3), dbSNP rs2104328174, ClinGen allele CA346743498.

ClinVar aggregate classification (germline): Uncertain significance (1 of 4 stars; one submission).

Conditions:
Hereditary nonpolyposis colorectal neoplasms. Identifiers: MedGen C0009405, MeSH D003123.

Submission:

Labcorp Genetics (formerly Invitae), Labcorp
Classification: Uncertain significance for Hereditary nonpolyposis colorectal neoplasms. Last evaluated: 2023-02-16. Review status: criteria provided, single submitter. Criteria: Invitae Variant Classification Sherloc (09022015). Collection method: clinical testing. Allele origin: germline.
Comment: In summary, the available evidence is currently insufficient to determine the role of this variant in disease. Therefore, it has been classified as a Variant of Uncertain Significance. Advanced modeling of protein sequence and biophysical properties (such as structural, functional, and spatial information, amino acid conservation, physicochemical variation, residue mobility, and thermodynamic stability) performed at Invitae indicates that this missense variant is not expected to disrupt MSH6 protein function. This variant has not been reported in the literature in individuals affected with MSH6-related conditions. This variant is not present in population databases (gnomAD no frequency). This sequence change replaces asparagine, which is neutral and polar, with histidine, which is basic and polar, at codon 404 of the MSH6 protein (p.Asn404His).